The following is an entry in ClinVar:

NM_033305.3(VPS13A):c.3419_3420del (p.Thr1140fs)

Gene: VPS13A (vacuolar protein sorting 13 homolog A; plus strand). Cytogenetic location: 9q21.2.
Variant type: Microsatellite.
Coding change: c.3419_3420del on transcript NM_033305.3 (MANE Select); coding-DNA positions 3419 to 3420, 2 bases deleted (CA; older notation c.3419_3420delCA).
Protein change: p.Thr1140fs; shifts the reading frame from threonine 1140.
Molecular consequence: frameshift variant.
Genome position (GRCh38, 1-based): chr9:77,293,420-77,293,421, CA deleted; deleting any 2 consecutive bases within chr9:77,293,417-77,293,421 gives the same sequence; the c. name uses the placement nearest the transcript's 3' end. VCF-style (leftmost placement, unchanged base first): chr9-77293416-TAC-T. GRCh37 (hg19) VCF-style: chr9-79908332-TAC-T.
Other names: c.3302_3303del, p.Thr1101fs (NM_001018037.2); c.3419_3420del, p.Thr1140fs (NM_001018038.3, NM_015186.4); short protein forms T1101fs, T1140fs.
Identifiers: ClinVar variation 5011775 (VCV005011775.1).

ClinVar aggregate classification (germline): Pathogenic (1 of 4 stars; one submission).

Conditions:
VPS13A-related neurodegenerative disease. Also called: ACANTHOCYTOSIS WITH NEUROLOGIC DISORDER; LEVINE-CRITCHLEY SYNDROME; Choreoacanthocytosis; Chorea-acanthocytosis; Choreaacanthocytosis; VPS13A Disease. Identifiers: Orphanet 2388, MedGen C0393576, MONDO:0008695, OMIM 200150.

Submission:

Myriad Genetics, Inc.
Classification: Pathogenic for VPS13A-related neurodegenerative disease. Last evaluated: 2024-05-14. Review status: criteria provided, single submitter. Criteria: Myriad Autosomal Dominant, Autosomal Recessive and X-Linked Classification Criteria (2023). Collection method: clinical testing. Allele origin: unknown.
Comment: NM_033305.2(VPS13A):c.3419_3420delCA(T1140Rfs*6) is expected to be pathogenic in the context of VPS13A disease. This variant is predicted to lead to an abnormal or absent protein product due to the creation of a premature termination codon in VPS13A, a gene where loss-of-function variants are known to be pathogenic. Please note: this variant was assessed in the context of healthy population screening.